The following is an entry in ClinVar:

ClinVar aggregate classification (germline): Uncertain significance (1 of 4 stars; one submission).

Conditions:
Genitopatellar syndrome (GTPTS). Also called: Genitopatellar syndrome (GPS); ABSENT PATELLAE, SCROTAL HYPOPLASIA, RENAL ANOMALIES, FACIAL DYSMORPHISM, AND MENTAL RETARDATION. Identifiers: Orphanet 85201, MedGen C1853566, MONDO:0011640, OMIM 606170.

Submission:

Labcorp Genetics (formerly Invitae), Labcorp
Classification: Uncertain significance for Genitopatellar syndrome. Last evaluated: 2025-03-31. Review status: criteria provided, single submitter. Criteria: Invitae Variant Classification Sherloc (09022015). Collection method: clinical testing. Allele origin: germline.
Comment: This sequence change replaces lysine, which is basic and polar, with glutamic acid, which is acidic and polar, at codon 1293 of the KAT6B protein (p.Lys1293Glu). This variant is not present in population databases (gnomAD no frequency). This variant has not been reported in the literature in individuals affected with KAT6B-related conditions. ClinVar contains an entry for this variant (Variation ID: 2881132). Invitae Evidence Modeling of protein sequence and biophysical properties (such as structural, functional, and spatial information, amino acid conservation, physicochemical variation, residue mobility, and thermodynamic stability) indicates that this missense variant is not expected to disrupt KAT6B protein function with a negative predictive value of 80%. In summary, the available evidence is currently insufficient to determine the role of this variant in disease. Therefore, it has been classified as a Variant of Uncertain Significance.

NM_012330.4(KAT6B):c.3877A>G (p.Lys1293Glu)

Gene: KAT6B (lysine acetyltransferase 6B; plus strand). Cytogenetic location: 10q22.2.
Variant type: single nucleotide variant.
Coding change: c.3877A>G on transcript NM_012330.4 (MANE Select); coding-DNA position 3877, A replaced by G.
Protein change: p.Lys1293Glu; replaces lysine 1293 with glutamic acid.
Molecular consequence: missense variant.
Genome position (GRCh38, 1-based): chr10:75,028,701, A>G. VCF-style: chr10-75028701-A-G. GRCh37 (hg19) VCF-style: chr10-76788459-A-G.
Other names: c.3328A>G, p.Lys1110Glu (NM_001256468.2, NM_001370138.1); c.3001A>G, p.Lys1001Glu (NM_001256469.2, NM_001370139.1, NM_001370140.1 and 2 more transcripts); c.2839A>G, p.Lys947Glu (NM_001370132.1); c.2188A>G, p.Lys730Glu (NM_001370133.1); c.1792A>G, p.Lys598Glu (NM_001370134.1); c.1534A>G, p.Lys512Glu (NM_001370135.1); c.3877A>G, p.Lys1293Glu (NM_001370136.1, NM_001370137.1); c.2812A>G, p.Lys938Glu (NM_001370143.1, NM_001370144.1); short protein forms K512E, K598E, K1001E, K1110E, K938E, K947E, K1293E, K730E.
Identifiers: ClinVar variation 2881132 (VCV002881132.3), dbSNP rs199470474, ClinGen allele CA377292476.